The following is an entry in ClinVar:

ClinVar aggregate classification (germline): Uncertain significance (1 of 4 stars; one submission).

Conditions:
FBN2-related disorder. Also called: FBN2-related condition.

Allele frequency attached by ClinVar (database versions not stated): gnomAD exomes below 0.00001.
gnomAD v4.1: 2 of 1,613,268 alleles (0.00012%); highest among the groups gnomAD compares: Non-Finnish European, 0.00017%; no homozygotes.

Submission:

PreventionGenetics, part of Exact Sciences
Classification: Uncertain significance for FBN2-related condition. Last evaluated: 2023-04-09. Review status: criteria provided, single submitter. Criteria: ACMG Guidelines, 2015. Collection method: clinical testing. Allele origin: germline.
Comment: The FBN2 c.1679G>A variant is predicted to result in the amino acid substitution p.Cys560Tyr. To our knowledge, this variant has not been reported in the literature or in a large population database, indicating this variant is rare. The majority of congenital contractural arachnodactyly-causative variants in FBN2 substitute a cysteine residue to another amino acid and reside in the 13th to 23rd calcium binding-epidermal growth factor (cbEGF) like domains (Callewaert et al. 2009. PubMed ID: 19006240). This patient's variant alters a cysteine residue, and is located in cbEGF like domain seven. At this time, the clinical significance of this variant is uncertain due to the absence of conclusive functional and genetic evidence.

NM_001999.4(FBN2):c.1679G>A (p.Cys560Tyr)

Gene: FBN2 (fibrillin 2; minus strand). Cytogenetic location: 5q23.3.
Variant type: single nucleotide variant.
Coding change: c.1679G>A on transcript NM_001999.4 (MANE Select); coding-DNA position 1679, G replaced by A.
Protein change: p.Cys560Tyr; replaces cysteine 560 with tyrosine.
Molecular consequence: missense variant.
Genome position (GRCh38, 1-based): chr5:128,378,815, C>T on the plus strand (G>A on the coding strand, the complement: FBN2 is on the minus strand). VCF-style: chr5-128378815-C-T. GRCh37 (hg19) VCF-style: chr5-127714508-C-T.
Other names: short protein forms C560Y.
Identifiers: ClinVar variation 2633564 (VCV002633564.1), dbSNP rs2479390797, ClinGen allele CA360743578.